The following is an entry in ClinVar:

NM_022552.5(DNMT3A):c.2259G>T (p.Trp753Cys)

Gene: DNMT3A (DNA methyltransferase 3 alpha; minus strand). Cytogenetic location: 2p23.3.
Variant type: single nucleotide variant.
Coding change: c.2259G>T on transcript NM_022552.5 (MANE Select); coding-DNA position 2259, G replaced by T.
Protein change: p.Trp753Cys; replaces tryptophan 753 with cysteine.
Molecular consequence: missense variant. On other transcripts: non-coding transcript variant (1).
Genome position (GRCh38, 1-based): chr2:25,240,365, C>A on the plus strand (G>T on the coding strand, the complement: DNMT3A is on the minus strand). VCF-style: chr2-25240365-C-A. GRCh37 (hg19) VCF-style: chr2-25463234-C-A.
Other names: c.1803G>T, p.Trp601Cys (NM_001320893.1); c.1590G>T, p.Trp530Cys (NM_001375819.1); c.1692G>T, p.Trp564Cys (NM_153759.3); c.2259G>T, p.Trp753Cys (NM_175629.2); short protein forms W601C, W753C, W530C, W564C.
Identifiers: ClinVar variation 3685758 (VCV003685758.2).
Genomic context (GRCh38, chr2:25,240,365, plus strand): 5'-GAGAAATCGCGAGATGTCCCTCTTGTCACTAACGCCCATGGCCACCACATTCTCAAAGAG[C>A]CAGAAGAAGGGGCGATCATCTCCCTCCTTGGGCCGCGCATCATGCAGGAGGCGGTAGAAC-3'
Protein context (NP_072046.2, residues 743-763): PKEGDDRPFF[Trp753Cys]LFENVVAMGV

ClinVar aggregate classification (germline): Uncertain significance (1 of 4 stars; one submission).

Conditions:
Tatton-Brown-Rahman overgrowth syndrome. Also called: Tall stature-intellectual disability-facial dysmorphism syndrome; Tatton-Brown-Rahman syndrome. Identifiers: Orphanet 404443, MedGen C4014545, MONDO:0014382, OMIM 615879.

Submission:

Labcorp Genetics (formerly Invitae), Labcorp
Classification: Uncertain significance for Tatton-Brown-Rahman overgrowth syndrome. Last evaluated: 2024-03-15. Review status: criteria provided, single submitter. Criteria: Invitae Variant Classification Sherloc (09022015). Collection method: clinical testing. Allele origin: germline.
Comment: This sequence change replaces tryptophan, which is neutral and slightly polar, with cysteine, which is neutral and slightly polar, at codon 753 of the DNMT3A protein (p.Trp753Cys). This variant is not present in population databases (gnomAD no frequency). This variant has not been reported in the literature in individuals affected with DNMT3A-related conditions. Advanced modeling of protein sequence and biophysical properties (such as structural, functional, and spatial information, amino acid conservation, physicochemical variation, residue mobility, and thermodynamic stability) performed at Invitae indicates that this missense variant is expected to disrupt DNMT3A protein function with a positive predictive value of 80%. In summary, the available evidence is currently insufficient to determine the role of this variant in disease. Therefore, it has been classified as a Variant of Uncertain Significance.